The following is an entry in ClinVar:

NM_000051.4(ATM):c.2799T>C (p.Ser933=)

Gene: ATM (ATM serine/threonine kinase; plus strand). Cytogenetic location: 11q22.3.
Variant type: single nucleotide variant.
Coding change: c.2799T>C on transcript NM_000051.4 (MANE Select); coding-DNA position 2799, T replaced by C.
Protein change: p.Ser933=; no amino-acid change (serine 933 retained).
Molecular consequence: synonymous variant.
Genome position (GRCh38, 1-based): chr11:108,268,570, T>C. VCF-style: chr11-108268570-T-C. GRCh37 (hg19) VCF-style: chr11-108139297-T-C.
Other names: c.2799T>C, p.Ser933= (NM_001351834.2).
Identifiers: ClinVar variation 490493 (VCV000490493.6), dbSNP rs1555083381, ClinGen allele CA476674005.

ClinVar aggregate classification (germline): Benign/Likely benign. Review status: criteria provided, multiple submitters, no conflicts (2 of 4 stars). 3 submissions from 3 submitters: Benign (1); Likely benign (2). Last evaluated 2024-05-10.

Conditions:
Hereditary cancer-predisposing syndrome. Also called: Hereditary Cancer Syndrome; Neoplastic Syndromes, Hereditary; Tumor predisposition; Hereditary neoplastic syndrome. Identifiers: Orphanet 140162, MedGen C0027672, MeSH D009386, MONDO:0015356.
Familial cancer of breast. Also called: Hereditary breast cancer; BREAST CANCER, FAMILIAL; hereditary breast carcinoma. Identifiers: Orphanet 227535, MedGen C0346153, MONDO:0016419, OMIM 114480. Disease mechanism: loss of function.

Submissions (3):

Myriad Genetics, Inc.
Classification: Benign for Familial cancer of breast. Last evaluated: 2024-05-10. Review status: criteria provided, single submitter. Criteria: Myriad Autosomal Dominant, Autosomal Recessive and X-Linked Classification Criteria (2023). Collection method: clinical testing. Allele origin: unknown.
Comment: This variant is considered benign. This variant is a silent/synonymous amino acid change and it is not expected to impact splicing.

Ambry Genetics
Classification: Likely benign for Hereditary cancer-predisposing syndrome. Last evaluated: 2021-10-11. Review status: criteria provided, single submitter. Criteria: Ambry Variant Classification Scheme 2023. Collection method: clinical testing. Allele origin: germline.

Color Diagnostics, LLC DBA Color Health
Classification: Likely benign for Hereditary cancer-predisposing syndrome. Last evaluated: 2017-11-07. Review status: criteria provided, single submitter. Criteria: ACMG Guidelines, 2015. Collection method: clinical testing. Allele origin: germline.